The following is an entry in ClinVar:

ClinVar aggregate classification (germline): Likely benign. Review status: criteria provided, multiple submitters, no conflicts (2 of 4 stars). 2 submissions from 2 submitters: Likely benign (2). Last evaluated 2023-12-13.

Conditions:
Arrhythmogenic cardiomyopathy with wooly hair and keratoderma. Also called: Arrhythmogenic cardiomyopathy with woolly hair and keratoderma; PALMOPLANTAR KERATODERMA WITH LEFT VENTRICULAR CARDIOMYOPATHY AND WOOLLY HAIR; Carvajal syndrome; Dilated cardiomyopathy with woolly hair and keratoderma. Identifiers: Orphanet 65282, MedGen C1854063, MONDO:0011581, OMIM 605676.
Arrhythmogenic right ventricular dysplasia 8 (ARVD8). Also called: Arrhythmogenic Right Ventricular Dysplasia/Cardiomyopathy 8; ARRHYTHMOGENIC RIGHT VENTRICULAR DYSPLASIA, FAMILIAL, 8; ARRHYTHMOGENIC RIGHT VENTRICULAR CARDIOMYOPATHY 8. Identifiers: MedGen C1843896, MONDO:0011831, OMIM 607450.

Allele frequency attached by ClinVar (database versions not stated): gnomAD exomes below 0.00001.

Submissions (2):

All of Us Research Program, National Institutes of Health
Classification: Likely benign for Arrhythmogenic cardiomyopathy with wooly hair and keratoderma. Last evaluated: 2023-12-13. Review status: criteria provided, single submitter. Criteria: ACMG Guidelines, 2015. Collection method: clinical testing. Allele origin: germline. Inheritance: Autosomal dominant inheritance. Observed: 1 variant allele, 1 heterozygote.
Comment: This study involves interpretation of variants in research participants for the purpose of population health screening. Participant phenotype was not available at the time of variant classification. Additional details can be found in publication PMID: 35346344, PMCID: PMC8962531

Labcorp Genetics (formerly Invitae), Labcorp
Classification: Likely benign for Arrhythmogenic cardiomyopathy with wooly hair and keratoderma; Arrhythmogenic right ventricular dysplasia 8. Last evaluated: 2023-09-26. Review status: criteria provided, single submitter. Criteria: Invitae Variant Classification Sherloc (09022015). Collection method: clinical testing. Allele origin: germline.

NM_004415.4(DSP):c.6171T>C (p.Gly2057=)

Gene: DSP (desmoplakin; plus strand). Cytogenetic location: 6p24.3.
Variant type: single nucleotide variant.
Coding change: c.6171T>C on transcript NM_004415.4 (MANE Select); coding-DNA position 6171, T replaced by C.
Protein change: p.Gly2057=; no amino-acid change (glycine 2057 retained).
Molecular consequence: synonymous variant.
Genome position (GRCh38, 1-based): chr6:7,583,433, T>C. VCF-style: chr6-7583433-T-C. GRCh37 (hg19) VCF-style: chr6-7583666-T-C.
Other names: c.4374T>C, p.Gly1458= (NM_001008844.3); c.4842T>C, p.Gly1614= (NM_001319034.2).
Identifiers: ClinVar variation 2934606 (VCV002934606.4), dbSNP rs1759518075, ClinGen allele CA448715852.